The following is an entry in ClinVar:

ClinVar aggregate classification (germline): Uncertain significance. Review status: criteria provided, multiple submitters, no conflicts (2 of 4 stars). 2 submissions from 2 submitters: Uncertain significance (2). Last evaluated 2022-07-17.

Conditions:
Tay-Sachs disease (TSD). Also called: HEXA DEFICIENCY; GM2 gangliosidosis, type 1; Hexosaminidase alpha-subunit deficiency (variant B); Sphingolipidosis, Tay-Sachs; Hexosaminidase A Deficiency; HEXA Disorders. Identifiers: Orphanet 845, MedGen C0039373, MONDO:0010100, OMIM 272800.

Allele frequency attached by ClinVar (database versions not stated): gnomAD 0.00001.
gnomAD v4.1: 3 of 1,613,906 alleles (0.00019%); highest among the groups gnomAD compares: Admixed American, 0.0017%; no homozygotes.

Submissions (2):

Labcorp Genetics (formerly Invitae), Labcorp
Classification: Uncertain significance for Tay-Sachs disease. Last evaluated: 2022-07-17. Review status: criteria provided, single submitter. Criteria: Invitae Variant Classification Sherloc (09022015). Collection method: clinical testing. Allele origin: germline.
Comment: This sequence change replaces valine, which is neutral and non-polar, with methionine, which is neutral and non-polar, at codon 437 of the HEXA protein (p.Val437Met). This variant is not present in population databases (gnomAD no frequency). This variant has not been reported in the literature in individuals affected with HEXA-related conditions. ClinVar contains an entry for this variant (Variation ID: 1367086). Algorithms developed to predict the effect of missense changes on protein structure and function are either unavailable or do not agree on the potential impact of this missense change (SIFT: "Tolerated"; PolyPhen-2: "Probably Damaging"; Align-GVGD: "Class C0"). In summary, the available evidence is currently insufficient to determine the role of this variant in disease. Therefore, it has been classified as a Variant of Uncertain Significance.

Fulgent Genetics
Classification: Uncertain significance for Tay-Sachs disease. Last evaluated: 2022-01-12. Review status: criteria provided, single submitter. Criteria: ACMG Guidelines, 2015. Collection method: clinical testing. Allele origin: unknown.

NM_000520.6(HEXA):c.1309G>A (p.Val437Met)

Gene: HEXA (hexosaminidase subunit alpha; minus strand). Cytogenetic location: 15q23.
Variant type: single nucleotide variant.
Coding change: c.1309G>A on transcript NM_000520.6 (MANE Select); coding-DNA position 1309, G replaced by A.
Protein change: p.Val437Met; replaces valine 437 with methionine.
Molecular consequence: missense variant.
Genome position (GRCh38, 1-based): chr15:72,346,548, C>T on the plus strand (G>A on the coding strand, the complement: HEXA is on the minus strand). VCF-style: chr15-72346548-C-T. GRCh37 (hg19) VCF-style: chr15-72638889-C-T.
Other names: c.1342G>A, p.Val448Met (NM_001318825.2); short protein forms V437M, V448M.
Identifiers: ClinVar variation 1367086 (VCV001367086.6), dbSNP rs2088616485, ClinGen allele CA393060437.